The following is an entry in ClinVar:

ClinVar aggregate classification (germline): Benign/Likely benign. Review status: criteria provided, multiple submitters, no conflicts (2 of 4 stars). 4 submissions from 4 submitters: Benign (2); Likely benign (1). 1 of the submissions does not count toward it. Last evaluated 2024-10-16.

Conditions:
SFTPA2-related disorder. Also called: SFTPA2-related condition.

Allele frequency attached by ClinVar (database versions not stated): gnomAD exomes 0.00035 and 0.00090; ExAC 0.00116; gnomAD 0.00349 and 0.00371; 1000 Genomes Project 0.00419; TOPMed 0.00420; 1000 Genomes Project 30x 0.00437; ESP Exome Variant Server 0.00439.
gnomAD v4.1: 1,075 of 1,614,020 alleles (0.067%); highest among the groups gnomAD compares: African/African-American, 1.3%; 7 homozygotes.

Submissions (4):

Blueprint Genetics
Classification: Likely benign. Last evaluated: 2024-10-16. Review status: criteria provided, single submitter. Criteria: ACMG Guidelines, 2015. Collection method: clinical testing. Allele origin: germline.

Labcorp Genetics (formerly Invitae), Labcorp
Classification: Benign. Last evaluated: 2018-05-30. Review status: criteria provided, single submitter. Criteria: Invitae Variant Classification Sherloc (09022015). Collection method: clinical testing. Allele origin: germline.

Breakthrough Genomics
Classification: Benign. Review status: criteria provided, single submitter. Criteria: ACMG Guidelines, 2015. Collection method: not provided. Allele origin: germline. Inheritance: Autosomal dominant inheritance. Affected: yes.

PreventionGenetics, part of Exact Sciences
Classification: Benign for SFTPA2-related condition. Last evaluated: 2019-06-05. Review status: no assertion criteria provided. Collection method: clinical testing. Allele origin: germline. Not counted in ClinVar's aggregate classification.
Comment: This variant is classified as benign based on ACMG/AMP sequence variant interpretation guidelines (Richards et al. 2015 PMID: 25741868, with internal and published modifications).

NM_001098668.4(SFTPA2):c.314A>C (p.Glu105Ala)

Gene: SFTPA2 (surfactant protein A2; minus strand). Cytogenetic location: 10q22.3.
Variant type: single nucleotide variant.
Coding change: c.314A>C on transcript NM_001098668.4 (MANE Select); coding-DNA position 314, A replaced by C.
Protein change: p.Glu105Ala; replaces glutamic acid 105 with alanine.
Molecular consequence: missense variant.
Genome position (GRCh38, 1-based): chr10:79,558,108, T>G on the plus strand (A>C on the coding strand, the complement: SFTPA2 is on the minus strand). VCF-style: chr10-79558108-T-G. GRCh37 (hg19) VCF-style: chr10-81317864-T-G.
Other names: c.314A>C, p.Glu105Ala (NM_001320813.2); c.344A>C, p.Glu115Ala (NM_001320814.1); short protein forms E105A, E115A.
Identifiers: ClinVar variation 786167 (VCV000786167.7), dbSNP rs146484851, ClinGen allele CA5574084.
Genomic context (GRCh38, chr10:79,558,108, plus strand): 5'-TTACCTCCCCTTGTCTGCAGGATTTGATGTCTGAAGTCGTGGAGTGTGGCTTGGAGCTCC[T>G]CATCTAGATGAGCTGGAAGCCCTGTGGAGAGTGCCCCACACAGAAGGAGGGGCAGGCCAG-3'
Protein context (NP_001092138.1, residues 95-115): GPPGLPAHLD[Glu105Ala]ELQATLHDFR